The following is an entry in ClinVar:

NM_003640.5(ELP1):c.725C>T (p.Pro242Leu)

Gene: ELP1 (elongator acetyltransferase complex subunit 1; minus strand). Cytogenetic location: 9q31.3.
Variant type: single nucleotide variant.
Coding change: c.725C>T on transcript NM_003640.5 (MANE Select); coding-DNA position 725, C replaced by T.
Protein change: p.Pro242Leu; replaces proline 242 with leucine.
Molecular consequence: missense variant. On other transcripts: intron variant (1).
Genome position (GRCh38, 1-based): chr9:108,918,826, G>A on the plus strand (C>T on the coding strand, the complement: ELP1 is on the minus strand). VCF-style: chr9-108918826-G-A. GRCh37 (hg19) VCF-style: chr9-111681106-G-A.
Other names: c.383C>T, p.Pro128Leu (NM_001318360.2); c.-307-1156C>T (NM_001330749.2); short protein forms P128L, P242L.
Identifiers: ClinVar variation 3653827 (VCV003653827.2).

ClinVar aggregate classification (germline): Uncertain significance (1 of 4 stars; one submission).

Submission:

Labcorp Genetics (formerly Invitae), Labcorp
Classification: Uncertain significance. Last evaluated: 2024-12-22. Review status: criteria provided, single submitter. Criteria: Invitae Variant Classification Sherloc (09022015). Collection method: clinical testing. Allele origin: germline.
Comment: This sequence change replaces proline, which is neutral and non-polar, with leucine, which is neutral and non-polar, at codon 242 of the ELP1 protein (p.Pro242Leu). This variant is not present in population databases (gnomAD no frequency). This variant has not been reported in the literature in individuals affected with ELP1-related conditions. Invitae Evidence Modeling of protein sequence and biophysical properties (such as structural, functional, and spatial information, amino acid conservation, physicochemical variation, residue mobility, and thermodynamic stability) indicates that this missense variant is not expected to disrupt ELP1 protein function with a negative predictive value of 80%. Algorithms developed to predict the effect of sequence changes on RNA splicing suggest that this variant may disrupt the consensus splice site. In summary, the available evidence is currently insufficient to determine the role of this variant in disease. Therefore, it has been classified as a Variant of Uncertain Significance.